The following is an entry in ClinVar:

ClinVar aggregate classification (germline): Likely benign (1 of 4 stars; one submission).

Submission:

CeGaT Center for Human Genetics Tuebingen
Classification: Likely benign. Last evaluated: 2026-01-01. Review status: criteria provided, single submitter. Criteria: CeGaT Center For Human Genetics Tuebingen Variant Classification Criteria Version 2. Collection method: clinical testing. Allele origin: germline. Affected: yes. Observed: 1 variant allele.
Comment: TRMT1: BP4, BP7

NM_001136035.4(TRMT1):c.90G>A (p.Gly30=)

Gene: TRMT1 (tRNA methyltransferase 1; minus strand). Cytogenetic location: 19p13.13.
Variant type: single nucleotide variant.
Coding change: c.90G>A on transcript NM_001136035.4 (MANE Select); coding-DNA position 90, G replaced by A.
Protein change: p.Gly30=; no amino-acid change (glycine 30 retained).
Molecular consequence: synonymous variant. On other transcripts: 5 prime UTR variant (2).
Genome position (GRCh38, 1-based): chr19:13,116,310, C>T on the plus strand (G>A on the coding strand, the complement: TRMT1 is on the minus strand). VCF-style: chr19-13116310-C-T. GRCh37 (hg19) VCF-style: chr19-13227124-C-T.
Other names: c.90G>A, p.Gly30= (NM_001142554.3, NM_001351760.2, NM_017722.5); c.-19G>A (NM_001351761.2); c.-774G>A (NM_001351762.2).
Identifiers: ClinVar variation 4823062 (VCV004823062.4).